The following is an entry in ClinVar:

NM_000155.4(GALT):c.598del (p.Gln200fs)

Gene: GALT (galactose-1-phosphate uridylyltransferase; plus strand). Cytogenetic location: 9p13.3.
Variant type: Deletion.
Coding change: c.598del on transcript NM_000155.4 (MANE Select); coding-DNA position 598, one base deleted (C; older notation c.598delC).
Protein change: p.Gln200fs; shifts the reading frame from glutamine 200.
Molecular consequence: frameshift variant.
Genome position (GRCh38, 1-based): chr9:34,648,367, C deleted; the last of 3 consecutive C bases (chr9:34,648,365-34,648,367); deleting any one gives the same sequence. VCF-style (leftmost placement, unchanged base first): chr9-34648364-GC-G. GRCh37 (hg19) VCF-style: chr9-34648361-GC-G.
Other names: c.598delC (NM_000155.4, NM_000155.3); c.271del, p.Gln91fs (NM_001258332.2); short protein forms Q91fs.
Identifiers: ClinVar variation 25225 (VCV000025225.20), dbSNP rs111033738, ClinGen allele CA259449.
Genomic context (GRCh38, chr9:34,648,364, plus strand): 5'-CTGTTCTTCTCTGCTTTTGCCCCTTGACAGGTATGGGCCAGCAGTTTCCTGCCAGATATT[GC>G]CCAGCGTGAGGAGCGATCTCAGCAGGCCTATAAGAGTCAGCATGGAGAGCCCCTGCTAAT-3'

ClinVar aggregate classification (germline): Pathogenic/Likely pathogenic. Review status: criteria provided, multiple submitters, no conflicts (2 of 4 stars). 8 submissions from 8 submitters: Pathogenic (5); Likely pathogenic (2). 1 of the submissions does not count toward it. Last evaluated 2025-09-24.

Conditions:
Galactosemia. Also called: Galactose intolerance. Identifiers: Orphanet 352, MedGen C0016952, MONDO:0018116, HP:0004919. Disease mechanism: loss of function.
Deficiency of UDPglucose-hexose-1-phosphate uridylyltransferase. Also called: GALACTOSE-1-PHOSPHATE URIDYLYLTRANSFERASE DEFICIENCY; GALT deficiency; Galactosemia, classic; Transferase Deficiency Galactosemia; GALACTOSEMIA I. Identifiers: Orphanet 352, Orphanet 79239, MedGen C0268151, MONDO:0009258, OMIM 230400.

Submissions (8):

Natera, Inc.
Classification: Pathogenic for Galactosemia. Last evaluated: 2025-09-24. Review status: criteria provided, single submitter. Criteria: Natera Variant Classification Schema (03/2026). Collection method: clinical testing. Allele origin: germline.
Comment: The c.598delC variant in GALT is a frameshift variant predicted to shift the reading frame beginning at codon 200 and leads to a stop codon 19 codons downstream. This variant is expected to result in nonsense mediated decay, truncation, or a dysfunctional protein product. This variant is rare in the general population with a frequency below the threshold expected for the associated phenotype(s). This variant has been observed in one or more individuals affected with the associated recessive disease, as either homozygous or compound heterozygous with a second variant (PMID: 22870861). Given the available evidence, this variant is classified as Pathogenic.

3billion
Classification: Pathogenic for Deficiency of UDPglucose-hexose-1-phosphate uridylyltransferase. Last evaluated: 2025-01-09. Review status: criteria provided, single submitter. Criteria: ACMG Guidelines, 2015. Collection method: clinical testing. Allele origin: germline. Affected: yes.
Comment: The variant is observed at an extremely low frequency in the gnomAD v4.1.0 dataset (total allele frequency: <0.001%). Predicted Consequence/Location: Frameshift: predicted to result in a loss or disruption of normal protein function through nonsense-mediated decay (NMD) or protein truncation. Multiple pathogenic variants are reported downstream of the variant. The variant has been reported at least twice as pathogenic with clinical assertions and evidence for the classification (ClinVar ID: VCV000025225 /PMID: 10408771). Therefore, this variant is classified as Pathogenic according to the recommendation of ACMG/AMP guideline.

Labcorp Genetics (formerly Invitae), Labcorp
Classification: Pathogenic for Deficiency of UDPglucose-hexose-1-phosphate uridylyltransferase. Last evaluated: 2024-09-14. Review status: criteria provided, single submitter. Criteria: Invitae Variant Classification Sherloc (09022015). Collection method: clinical testing. Allele origin: germline.
Comment: This sequence change creates a premature translational stop signal (p.Gln200Serfs*19) in the GALT gene. It is expected to result in an absent or disrupted protein product. Loss-of-function variants in GALT are known to be pathogenic (PMID: 22944367). This variant is not present in population databases (gnomAD no frequency). This premature translational stop signal has been observed in individual(s) with classical galactosemia (PMID: 28391442). ClinVar contains an entry for this variant (Variation ID: 25225). For these reasons, this variant has been classified as Pathogenic.

Fulgent Genetics
Classification: Likely pathogenic for Deficiency of UDPglucose-hexose-1-phosphate uridylyltransferase. Last evaluated: 2024-04-19. Review status: criteria provided, single submitter. Criteria: ACMG Guidelines, 2015. Collection method: clinical testing. Allele origin: germline.

Baylor Genetics
Classification: Pathogenic for Deficiency of UDPglucose-hexose-1-phosphate uridylyltransferase. Last evaluated: 2024-02-05. Review status: criteria provided, single submitter. Criteria: ACMG Guidelines, 2015. Collection method: clinical testing. Allele origin: unknown.

Women's Health and Genetics/Laboratory Corporation of America, LabCorp
Classification: Likely pathogenic for Deficiency of UDPglucose-hexose-1-phosphate uridylyltransferase. Last evaluated: 2018-12-03. Review status: criteria provided, single submitter. Criteria: LabCorp Variant Classification Summary - May 2015. Collection method: clinical testing. Allele origin: germline.
Comment: Variant summary: GALT c.598delC (p.Gln200SerfsX19) results in a premature termination codon, predicted to cause a truncation of the encoded protein or absence of the protein due to nonsense mediated decay, which are commonly known mechanisms for disease. Truncations downstream of this position have been classified as pathogenic by our laboratory (eg. c.610C>T (p.Arg204X) and c.947G>A (p.Trp316X)). The variant was absent in 246258 control chromosomes (gnomAD). c.598delC has been reported in the literature in an individual affected with Galactosemia (Tyfield_1999). These data do not allow any conclusion about variant significance. To our knowledge, no experimental evidence demonstrating an impact on protein function has been reported. No clinical diagnostic laboratories have submitted clinical-significance assessments for this variant to ClinVar after 2014. Based on the evidence outlined above, the variant was classified as likely pathogenic.

Eurofins Ntd Llc (ga)
Classification: Pathogenic. Last evaluated: 2014-06-27. Review status: criteria provided, single submitter. Criteria: EGL Classification Definitions 2015. Collection method: clinical testing. Allele origin: germline. Observed: 3 variant alleles, 3 heterozygotes.

Department of Pathology and Laboratory Medicine, Sinai Health System
Classification: Uncertain significance. Review status: no assertion criteria provided. Collection method: clinical testing. Allele origin: unknown. Affected: yes. Observed: 1 variant allele. Study: The Canadian Open Genetics Repository (COGR). Not counted in ClinVar's aggregate classification.

Literature cited by the submitters: PubMed 22870861 (cited by Natera, Inc.); PubMed 10408771 (cited by 3billion and Women's Health and Genetics/Laboratory Corporation of America, LabCorp); PubMed 22944367 (cited by Labcorp Genetics (formerly Invitae), Labcorp); PubMed 28391442 (cited by Labcorp Genetics (formerly Invitae), Labcorp); PubMed 11261429 (cited by Women's Health and Genetics/Laboratory Corporation of America, LabCorp).